The following is an entry in ClinVar:

NM_000459.5(TEK):c.*314C>G

Gene: TEK (TEK receptor tyrosine kinase; plus strand). Cytogenetic location: 9p21.2.
Variant type: single nucleotide variant.
Coding change: c.*314C>G on transcript NM_000459.5 (MANE Select); 314 bases downstream of the stop codon, C replaced by G.
Molecular consequence: 3 prime UTR variant.
Genome position (GRCh38, 1-based): chr9:27,229,546, C>G. VCF-style: chr9-27229546-C-G. GRCh37 (hg19) VCF-style: chr9-27229544-C-G.
Other names: c.*314C>G (NM_001290077.2, NM_001290078.2, NM_001375475.1 and 1 more transcripts).
Identifiers: ClinVar variation 366463 (VCV000366463.6), dbSNP rs7037246, ClinGen allele CA10629865.

ClinVar aggregate classification (germline): Benign. Review status: criteria provided, multiple submitters, no conflicts (2 of 4 stars). 2 submissions from 2 submitters: Benign (2). Last evaluated 2018-01-12.

Conditions:
Multiple cutaneous and mucosal venous malformations (VMCM). Also called: TEK-Related Multiple Cutaneous and Mucosal Venous Malformations (VMCM). Identifiers: Orphanet 2451, MedGen C1838437, MONDO:0010842, OMIM 600195.

Allele frequency attached by ClinVar (database versions not stated): gnomAD exomes 0.16637; 1000 Genomes Project 30x 0.14257; gnomAD 0.16207; TOPMed 0.18241; 1000 Genomes Project 0.13918.
gnomAD v4.1: 63,348 of 372,934 alleles (17%); highest among the groups gnomAD compares: Admixed American, 23%; 5,734 homozygotes.

Submissions (2):

Illumina Laboratory Services, Illumina
Classification: Benign for Multiple cutaneous and mucosal venous malformations. Last evaluated: 2018-01-12. Review status: criteria provided, single submitter. Criteria: ICSL Variant Classification Criteria 13 December 2019. Collection method: clinical testing. Allele origin: germline.
Comment: This variant was observed in the ICSL laboratory as part of a predisposition screen in an ostensibly healthy population. It had not been previously curated by ICSL or reported in the Human Gene Mutation Database (HGMD: prior to June 1st, 2018), and was therefore a candidate for classification through an automated scoring system. Utilizing variant allele frequency, disease prevalence and penetrance estimates, and inheritance mode, an automated score was calculated to assess if this variant is too frequent to cause the disease. Based on the score and internal cut-off values, a variant classified as benign is not then subjected to further curation. The score for this variant resulted in a classification of benign for this disease.

Breakthrough Genomics
Classification: Benign. Review status: criteria provided, single submitter. Criteria: ACMG Guidelines, 2015. Collection method: not provided. Allele origin: germline. Inheritance: Autosomal dominant inheritance. Affected: yes.